The following is an entry in ClinVar:

ClinVar aggregate classification (germline): Uncertain significance (1 of 4 stars; one submission).

Submission:

GeneDx
Classification: Uncertain significance. Last evaluated: 2023-03-27. Review status: criteria provided, single submitter. Criteria: GeneDx Variant Classification Process June 2021. Collection method: clinical testing. Allele origin: germline. Affected: yes.
Comment: Not observed at significant frequency in large population cohorts (gnomAD); In silico analysis supports that this missense variant does not alter protein structure/function; Has not been previously published as pathogenic or benign to our knowledge

NM_015057.5(MYCBP2):c.8209A>C (p.Lys2737Gln)

Gene: MYCBP2 (MYC binding protein 2; minus strand). Cytogenetic location: 13q22.3.
Variant type: single nucleotide variant.
Coding change: c.8209A>C on transcript NM_015057.5 (MANE Select); coding-DNA position 8209, A replaced by C.
Protein change: p.Lys2737Gln; replaces lysine 2737 with glutamine.
Molecular consequence: missense variant.
Genome position (GRCh38, 1-based): chr13:77,098,945, T>G on the plus strand (A>C on the coding strand, the complement: MYCBP2 is on the minus strand). VCF-style: chr13-77098945-T-G. GRCh37 (hg19) VCF-style: chr13-77673080-T-G.
Other names: short protein forms K2737Q.
Identifiers: ClinVar variation 2582022 (VCV002582022.1), dbSNP rs2503555149, ClinGen allele CA388391233.